The following is an entry in ClinVar:

ClinVar aggregate classification (germline): Uncertain significance (1 of 4 stars; one submission).

Conditions:
Glycogen storage disease IXd (GSD9D). Also called: Muscle Phosphorylase Kinase Deficiency; GSD IXd. Identifiers: Orphanet 715, MedGen C1845151, MONDO:0010362, OMIM 300559.

gnomAD v4.1: 1 of 1,168,781 alleles (0.000086%); no homozygotes.

Submission:

Labcorp Genetics (formerly Invitae), Labcorp
Classification: Uncertain significance for Glycogen storage disease IXd. Last evaluated: 2023-02-18. Review status: criteria provided, single submitter. Criteria: Invitae Variant Classification Sherloc (09022015). Collection method: clinical testing. Allele origin: germline.
Comment: Variants that disrupt the consensus splice site are a relatively common cause of aberrant splicing (PMID: 17576681, 9536098). Algorithms developed to predict the effect of sequence changes on RNA splicing suggest that this variant is not likely to affect RNA splicing. This variant has not been reported in the literature in individuals affected with PHKA1-related conditions. This variant is not present in population databases (gnomAD no frequency). This sequence change falls in intron 3 of the PHKA1 gene. It does not directly change the encoded amino acid sequence of the PHKA1 protein. It affects a nucleotide within the consensus splice site. In summary, the available evidence is currently insufficient to determine the role of this variant in disease. Therefore, it has been classified as a Variant of Uncertain Significance.

Literature cited by the submitters: PubMed 17576681; PubMed 9536098.

NM_002637.4(PHKA1):c.285+5G>A

Genes: PHKA1 (phosphorylase kinase regulatory subunit alpha 1; minus strand), PHKA1-AS1 (PHKA1 antisense RNA 1; plus strand). Cytogenetic location: Xq13.1.
Variant type: single nucleotide variant.
Coding change: c.285+5G>A on transcript NM_002637.4 (MANE Select); 5 bases into the intron after coding-DNA position 285, G replaced by A.
Molecular consequence: intron variant.
Genome position (GRCh38, 1-based): chrX:72,705,193, C>T on the plus strand (G>A on the coding strand, the complement: PHKA1 is on the minus strand). VCF-style: chrX-72705193-C-T. GRCh37 (hg19) VCF-style: chrX-71925042-C-T.
Other names: c.285+5G>A (NM_001172436.2, NM_001122670.2).
Identifiers: ClinVar variation 2033060 (VCV002033060.4), dbSNP rs2522849894, ClinGen allele CA2580101368.